The following is an entry in ClinVar:

ClinVar aggregate classification (germline): Conflicting classifications of pathogenicity. Review status: criteria provided, conflicting classifications (1 of 4 stars). 9 submissions from 9 submitters: Uncertain significance (1); Likely benign (7). 1 of the submissions does not count toward it. Last evaluated 2026-05-01.

Conditions:
FLNB-related disorder. Also called: FLNB-related condition; FLNB-related disorders. Identifiers: MedGen CN381095.
FLNB-Related Spectrum Disorders.

Allele frequency attached by ClinVar (database versions not stated): 1000 Genomes Project 0.00120; 1000 Genomes Project 30x 0.00125; gnomAD exomes 0.00205 and 0.00236; gnomAD 0.00237 and 0.00247; ExAC 0.00253; ESP Exome Variant Server 0.00261.
gnomAD v4.1: 3,380 of 1,613,792 alleles (0.21%); highest among the groups gnomAD compares: Middle Eastern, 0.3%; 3 homozygotes.

Submissions (9):

CeGaT Center for Human Genetics Tuebingen
Classification: Likely benign. Last evaluated: 2026-05-01. Review status: criteria provided, single submitter. Criteria: CeGaT Center For Human Genetics Tuebingen Variant Classification Criteria Version 2. Collection method: clinical testing. Allele origin: germline. Affected: yes. Observed: 6 variant alleles.
Comment: FLNB: BS2

Labcorp Genetics (formerly Invitae), Labcorp
Classification: Likely benign. Last evaluated: 2026-02-01. Review status: criteria provided, single submitter. Criteria: Invitae Variant Classification Sherloc (09022015). Collection method: clinical testing. Allele origin: germline.

ARUP Laboratories, Molecular Genetics and Genomics, ARUP Laboratories
Classification: Likely benign. Last evaluated: 2024-12-20. Review status: criteria provided, single submitter. Criteria: ARUP Molecular Germline Variant Investigation Process 2024. Collection method: clinical testing. Allele origin: germline.

Blueprint Genetics
Classification: Likely benign. Last evaluated: 2024-11-18. Review status: criteria provided, single submitter. Criteria: ACMG Guidelines, 2015. Collection method: clinical testing. Allele origin: germline.

GeneDx
Classification: Likely benign. Last evaluated: 2020-11-25. Review status: criteria provided, single submitter. Criteria: GeneDx Variant Classification Process June 2021. Collection method: clinical testing. Allele origin: germline. Affected: yes.

Eurofins Ntd Llc (ga)
Classification: Likely benign. Last evaluated: 2018-04-05. Review status: criteria provided, single submitter. Criteria: EGL ClinVar v180209 classification definitions. Collection method: clinical testing. Allele origin: germline. Observed: 2 variant alleles, 2 heterozygotes.

Illumina Laboratory Services, Illumina
Classification: Likely benign for FLNB-Related Spectrum Disorders. Last evaluated: 2018-01-13. Review status: criteria provided, single submitter. Criteria: ICSL Variant Classification Criteria 13 December 2019. Collection method: clinical testing. Allele origin: germline.
Comment: This variant was observed in the ICSL laboratory as part of a predisposition screen in an ostensibly healthy population. It had not been previously curated by ICSL or reported in the Human Gene Mutation Database (HGMD: prior to June 1st, 2018), and was therefore a candidate for classification through an automated scoring system. Utilizing variant allele frequency, disease prevalence and penetrance estimates, and inheritance mode, an automated score was calculated to assess if this variant is too frequent to cause the disease. Based on the score and internal cut-off values, a variant classified as likely benign is not then subjected to further curation. The score for this variant resulted in a classification of likely benign for this disease.

Center for Pediatric Genomic Medicine, Children's Mercy Hospital and Clinics
Classification: Uncertain significance. Last evaluated: 2016-12-30. Review status: criteria provided, single submitter. Criteria: ACMG Guidelines, 2015. Collection method: clinical testing. Allele origin: germline.
ClinVar note: Converted during submission from Uncertain Significance to Uncertain significance.

PreventionGenetics, part of Exact Sciences
Classification: Likely benign for FLNB-related condition. Last evaluated: 2019-10-30. Review status: no assertion criteria provided. Collection method: clinical testing. Allele origin: germline. Not counted in ClinVar's aggregate classification.
Comment: This variant is classified as likely benign based on ACMG/AMP sequence variant interpretation guidelines (Richards et al. 2015 PMID: 25741868, with internal and published modifications).

NM_001457.4(FLNB):c.1559C>T (p.Pro520Leu)

Gene: FLNB (filamin B; plus strand). Cytogenetic location: 3p14.3.
Variant type: single nucleotide variant.
Coding change: c.1559C>T on transcript NM_001457.4 (MANE Select); coding-DNA position 1559, C replaced by T.
Protein change: p.Pro520Leu; replaces proline 520 with leucine.
Molecular consequence: missense variant.
Genome position (GRCh38, 1-based): chr3:58,104,034, C>T. VCF-style: chr3-58104034-C-T. GRCh37 (hg19) VCF-style: chr3-58089761-C-T.
Other names: c.1559C>T, p.Pro520Leu (NM_001164317.2, NM_001164318.2, NM_001164319.2); short protein forms P520L.
Identifiers: ClinVar variation 193630 (VCV000193630.49), dbSNP rs138220431, ClinGen allele CA239197.
Genomic context (GRCh38, chr3:58,104,034, plus strand): 5'-TGGTGAAGCAGAAAGACTTTCTGGATGGGGTCTACGCATTCGAGTATTACCCCAGCACCC[C>T]GGGGAGATACAGCATTGCCATCACATGGGGGGGACACCACATTCCAAAGAGGTGAGGCTC-3'
Protein context (NP_001448.2, residues 510-530): VYAFEYYPST[Pro520Leu]GRYSIAITWG